The following is an entry in ClinVar:

ClinVar aggregate classification (germline): Uncertain significance (1 of 4 stars; one submission).

Submission:

Labcorp Genetics (formerly Invitae), Labcorp
Classification: Uncertain significance. Last evaluated: 2022-05-31. Review status: criteria provided, single submitter. Criteria: Invitae Variant Classification Sherloc (09022015). Collection method: clinical testing. Allele origin: germline.
Comment: This sequence change results in a frameshift in the ADAMTS13 gene (p.Trp1411Glyfs*21). While this is not anticipated to result in nonsense mediated decay, it is expected to disrupt the last 17 amino acid(s) of the ADAMTS13 protein and extend the protein by 3 additional amino acid residues. This variant is not present in population databases (gnomAD no frequency). This variant has not been reported in the literature in individuals affected with ADAMTS13-related conditions. In summary, the available evidence is currently insufficient to determine the role of this variant in disease. Therefore, it has been classified as a Variant of Uncertain Significance.

NM_139027.6(ADAMTS13):c.4063del (p.Trp1355fs)

Gene: ADAMTS13 (ADAM metallopeptidase with thrombospondin type 1 motif 13; plus strand). Cytogenetic location: 9q34.2.
Variant type: Deletion.
Coding change: c.4063del on transcript NM_139027.6 (MANE Select); coding-DNA position 4063, one base deleted (T; older notation c.4063delT).
Protein change: p.Trp1355fs; shifts the reading frame from tryptophan 1355.
Molecular consequence: frameshift variant. On other transcripts: non-coding transcript variant (1).
Genome position (GRCh38, 1-based): chr9:133,459,127, T deleted. VCF-style (leftmost placement, unchanged base first): chr9-133459126-AT-A. GRCh37 (hg19) VCF-style: chr9-136324248-AT-A.
Other names: c.4231del, p.Trp1411fs (NM_139025.5); c.3970del, p.Trp1324fs (NM_139026.6); short protein forms W1411fs, W1324fs, W1355fs.
Identifiers: ClinVar variation 1952758 (VCV001952758.5), dbSNP rs2490561637, ClinGen allele CA2580079971.